The following is an entry in ClinVar:

ClinVar aggregate classification (germline): Uncertain significance (1 of 4 stars; one submission).

Conditions:
3-methylglutaconic aciduria with deafness, encephalopathy, and Leigh-like syndrome (MEGDEL). Also called: 3-METHYLGLUTACONIC ACIDURIA, TYPE VI; MEGDEL syndrome; SERAC1 Deficiency. Identifiers: Orphanet 352328, MedGen C4040739, MONDO:0013875, OMIM 614739.

Allele frequency attached by ClinVar (database versions not stated): gnomAD 0.00002; 1000 Genomes Project 30x 0.00047; 1000 Genomes Project 0.00060.
gnomAD v4.1: 5 of 1,614,140 alleles (0.00031%); highest among the groups gnomAD compares: East Asian, 0.0067%; no homozygotes.

Submission:

Labcorp Genetics (formerly Invitae), Labcorp
Classification: Uncertain significance for 3-methylglutaconic aciduria with deafness, encephalopathy, and Leigh-like syndrome. Last evaluated: 2024-04-15. Review status: criteria provided, single submitter. Criteria: Invitae Variant Classification Sherloc (09022015). Collection method: clinical testing. Allele origin: germline.
Comment: This sequence change replaces aspartic acid, which is acidic and polar, with asparagine, which is neutral and polar, at codon 459 of the SERAC1 protein (p.Asp459Asn). This variant is present in population databases (rs189064007, gnomAD 0.01%). This variant has not been reported in the literature in individuals affected with SERAC1-related conditions. ClinVar contains an entry for this variant (Variation ID: 862928). Advanced modeling of protein sequence and biophysical properties (such as structural, functional, and spatial information, amino acid conservation, physicochemical variation, residue mobility, and thermodynamic stability) has been performed at Invitae for this missense variant, however the output from this modeling did not meet the statistical confidence thresholds required to predict the impact of this variant on SERAC1 protein function. In summary, the available evidence is currently insufficient to determine the role of this variant in disease. Therefore, it has been classified as a Variant of Uncertain Significance.

NM_032861.4(SERAC1):c.1375G>A (p.Asp459Asn)

Gene: SERAC1 (serine active site containing 1; minus strand). Cytogenetic location: 6q25.3.
Variant type: single nucleotide variant.
Coding change: c.1375G>A on transcript NM_032861.4 (MANE Select); coding-DNA position 1375, G replaced by A.
Protein change: p.Asp459Asn; replaces aspartic acid 459 with asparagine.
Molecular consequence: missense variant.
Genome position (GRCh38, 1-based): chr6:158,117,755, C>T on the plus strand (G>A on the coding strand, the complement: SERAC1 is on the minus strand). VCF-style: chr6-158117755-C-T. GRCh37 (hg19) VCF-style: chr6-158538787-C-T.
Other names: short protein forms D459N.
Identifiers: ClinVar variation 862928 (VCV000862928.9), dbSNP rs189064007, ClinGen allele CA4071113.